The following is an entry in ClinVar:

ClinVar aggregate classification (germline): Uncertain significance (1 of 4 stars; one submission).

Allele frequency attached by ClinVar (database versions not stated): gnomAD exomes below 0.00001.
gnomAD v4.1: 1 of 1,211,439 alleles (0.000083%); highest among the groups gnomAD compares: South Asian, 0.0018%; no homozygotes.

Submission:

Labcorp Genetics (formerly Invitae), Labcorp
Classification: Uncertain significance. Last evaluated: 2023-07-30. Review status: criteria provided, single submitter. Criteria: Invitae Variant Classification Sherloc (09022015). Collection method: clinical testing. Allele origin: germline.
Comment: ClinVar contains an entry for this variant (Variation ID: 2101913). This sequence change replaces glycine, which is neutral and non-polar, with aspartic acid, which is acidic and polar, at codon 435 of the CLCN4 protein (p.Gly435Asp). This variant is not present in population databases (gnomAD no frequency). This variant has not been reported in the literature in individuals affected with CLCN4-related conditions. Advanced modeling of protein sequence and biophysical properties (such as structural, functional, and spatial information, amino acid conservation, physicochemical variation, residue mobility, and thermodynamic stability) has been performed at Invitae for this missense variant, however the output from this modeling did not meet the statistical confidence thresholds required to predict the impact of this variant on CLCN4 protein function. In summary, the available evidence is currently insufficient to determine the role of this variant in disease. Therefore, it has been classified as a Variant of Uncertain Significance.

NM_001830.4(CLCN4):c.1304G>A (p.Gly435Asp)

Gene: CLCN4 (chloride voltage-gated channel 4; plus strand). Cytogenetic location: Xp22.2.
Variant type: single nucleotide variant.
Coding change: c.1304G>A on transcript NM_001830.4 (MANE Select); coding-DNA position 1304, G replaced by A.
Protein change: p.Gly435Asp; replaces glycine 435 with aspartic acid.
Molecular consequence: missense variant.
Genome position (GRCh38, 1-based): chrX:10,208,505, G>A. VCF-style: chrX-10208505-G-A. GRCh37 (hg19) VCF-style: chrX-10176545-G-A.
Other names: c.1022G>A, p.Gly341Asp (NM_001256944.2); short protein forms G341D, G435D.
Identifiers: ClinVar variation 2101913 (VCV002101913.4), dbSNP rs2518885603, ClinGen allele CA412038509.